The following is an entry in ClinVar:

NM_004186.5(SEMA3F):c.1848C>T (p.Gly616=)

Gene: SEMA3F (semaphorin 3F; plus strand). Cytogenetic location: 3p21.31.
Variant type: single nucleotide variant.
Coding change: c.1848C>T on transcript NM_004186.5 (MANE Select); coding-DNA position 1848, C replaced by T.
Protein change: p.Gly616=; no amino-acid change (glycine 616 retained).
Molecular consequence: synonymous variant.
Genome position (GRCh38, 1-based): chr3:50,186,647, C>T. VCF-style: chr3-50186647-C-T. GRCh37 (hg19) VCF-style: chr3-50224080-C-T.
Other names: c.1551C>T, p.Gly517= (NM_001318798.2); c.1755C>T, p.Gly585= (NM_001318800.2).
Identifiers: ClinVar variation 4978499 (VCV004978499.1).

ClinVar aggregate classification (germline): Likely benign (1 of 4 stars; one submission).

Conditions:
SEMA3F-related disorder. Also called: SEMA3F-related condition.

gnomAD v4.1: 21 of 1,607,390 alleles (0.0013%); highest among the groups gnomAD compares: East Asian, 0.0022%; no homozygotes.

Submission:

PreventionGenetics, part of Exact Sciences
Classification: Likely benign for SEMA3F-related condition. Last evaluated: 2025-02-20. Review status: criteria provided, single submitter. Criteria: ACMG Guidelines, 2015. Collection method: clinical testing. Allele origin: germline.
Comment: This variant is classified as likely benign based on ACMG/AMP sequence variant interpretation guidelines (Richards et al. 2015 PMID: 25741868, with internal and published modifications).